The following is an entry in ClinVar:

ClinVar aggregate classification (germline): Likely benign. Review status: criteria provided, multiple submitters, no conflicts (2 of 4 stars). 3 submissions from 3 submitters: Likely benign (3). Last evaluated 2024-12-21.

Conditions:
Dilated cardiomyopathy 1R (CMD1R). Identifiers: Orphanet 154, Orphanet 54260, MedGen C3150681, MONDO:0013261, OMIM 613424.
Atrial septal defect 5 (ASD5). Identifiers: Orphanet 1478, MedGen C2748552, MONDO:0013011, OMIM 612794.
Hypertrophic cardiomyopathy 11. Also called: ACTC1-Related Familial Hypertrophic Cardiomyopathy. Identifiers: MedGen C2677506, MONDO:0012799, OMIM 612098.
Hypertrophic cardiomyopathy. Also called: HYPERTROPHIC MYOCARDIOPATHY. Identifiers: Orphanet 217569, MedGen C0007194, MeSH D002312, MONDO:0005045, HP:0001639.
Cardiovascular phenotype. Identifiers: MedGen CN230736.

Allele frequency attached by ClinVar (database versions not stated): gnomAD exomes below 0.00001; TOPMed below 0.00001.
gnomAD v4.1: 2 of 1,614,158 alleles (0.00012%); highest among the groups gnomAD compares: Non-Finnish European, 0.00017%; no homozygotes.

Submissions (3):

Ambry Genetics
Classification: Likely benign for Cardiovascular phenotype. Last evaluated: 2024-12-21. Review status: criteria provided, single submitter. Criteria: Ambry Variant Classification Scheme 2023. Collection method: clinical testing. Allele origin: germline.

All of Us Research Program, National Institutes of Health
Classification: Likely benign for Hypertrophic cardiomyopathy. Last evaluated: 2023-11-02. Review status: criteria provided, single submitter. Criteria: ACMG Guidelines, 2015. Collection method: clinical testing. Allele origin: germline. Inheritance: Autosomal dominant inheritance. Observed: 1 variant allele, 1 heterozygote.
Comment: This study involves interpretation of variants in research participants for the purpose of population health screening. Participant phenotype was not available at the time of variant classification. Additional details can be found in publication PMID: 35346344, PMCID: PMC8962531

Labcorp Genetics (formerly Invitae), Labcorp
Classification: Likely benign for Dilated cardiomyopathy 1R; Hypertrophic cardiomyopathy 11; Atrial septal defect 5. Last evaluated: 2019-03-01. Review status: criteria provided, single submitter. Criteria: Invitae Variant Classification Sherloc (09022015). Collection method: clinical testing. Allele origin: germline.

NM_005159.5(ACTC1):c.501C>T (p.Ile167=)

Genes: ACTC1 (actin alpha cardiac muscle 1; minus strand), GJD2-DT (GJD2 divergent transcript; plus strand). Cytogenetic location: 15q14.
Variant type: single nucleotide variant.
Coding change: c.501C>T on transcript NM_005159.5 (MANE Select); coding-DNA position 501, C replaced by T.
Protein change: p.Ile167=; no amino-acid change (isoleucine 167 retained).
Molecular consequence: synonymous variant.
Genome position (GRCh38, 1-based): chr15:34,792,523, G>A on the plus strand (C>T on the coding strand, the complement: ACTC1 is on the minus strand). VCF-style: chr15-34792523-G-A. GRCh37 (hg19) VCF-style: chr15-35084724-G-A.
Other names: c.501C>T (NM_005159.4).
Identifiers: ClinVar variation 1133057 (VCV001133057.11), dbSNP rs1306504752, ClinGen allele CA489655512.